The following is an entry in ClinVar:

NM_001172509.2(SATB2):c.14G>A (p.Ser5Asn)

Gene: SATB2 (SATB homeobox 2; minus strand). Cytogenetic location: 2q33.1.
Variant type: single nucleotide variant.
Coding change: c.14G>A on transcript NM_001172509.2 (MANE Select); coding-DNA position 14, G replaced by A.
Protein change: p.Ser5Asn; replaces serine 5 with asparagine.
Molecular consequence: missense variant. On other transcripts: non-coding transcript variant (1).
Genome position (GRCh38, 1-based): chr2:199,456,024, C>T on the plus strand (G>A on the coding strand, the complement: SATB2 is on the minus strand). VCF-style: chr2-199456024-C-T. GRCh37 (hg19) VCF-style: chr2-200320747-C-T.
Other names: c.14G>A, p.Ser5Asn (NM_001172517.1, NM_015265.4); short protein forms S5N.
Identifiers: ClinVar variation 2768916 (VCV002768916.3), dbSNP rs2469070022, ClinGen allele CA350388676.

ClinVar aggregate classification (germline): Uncertain significance (1 of 4 stars; one submission).

Conditions:
Chromosome 2q32-q33 deletion syndrome (GLASS). Also called: 2q33.1 deletion syndrome; Glass syndrome. Identifiers: Orphanet 251019, MedGen C2676739, MONDO:0012864, OMIM 612313.

Allele frequency attached by ClinVar (database versions not stated): gnomAD exomes below 0.00001.
gnomAD v4.1: 1 of 1,546,008 alleles (0.000065%); highest among the groups gnomAD compares: Admixed American, 0.0019%; no homozygotes.

Submission:

Labcorp Genetics (formerly Invitae), Labcorp
Classification: Uncertain significance for Chromosome 2q32-q33 deletion syndrome. Last evaluated: 2023-10-16. Review status: criteria provided, single submitter. Criteria: Invitae Variant Classification Sherloc (09022015). Collection method: clinical testing. Allele origin: germline.
Comment: This sequence change replaces serine, which is neutral and polar, with asparagine, which is neutral and polar, at codon 5 of the SATB2 protein (p.Ser5Asn). This variant is not present in population databases (gnomAD no frequency). This variant has not been reported in the literature in individuals affected with SATB2-related conditions. Advanced modeling of protein sequence and biophysical properties (such as structural, functional, and spatial information, amino acid conservation, physicochemical variation, residue mobility, and thermodynamic stability) performed at Invitae indicates that this missense variant is not expected to disrupt SATB2 protein function. In summary, the available evidence is currently insufficient to determine the role of this variant in disease. Therefore, it has been classified as a Variant of Uncertain Significance.